The following is an entry in ClinVar:

NM_001332.4(CTNND2):c.1510C>T (p.Arg504Ter)

Gene: CTNND2 (catenin delta 2; minus strand). Cytogenetic location: 5p15.2.
Variant type: single nucleotide variant.
Coding change: c.1510C>T on transcript NM_001332.4 (MANE Select); coding-DNA position 1510, C replaced by T.
Protein change: p.Arg504Ter; replaces arginine 504 with a stop codon.
Molecular consequence: nonsense. On other transcripts: non-coding transcript variant (1).
Genome position (GRCh38, 1-based): chr5:11,346,490, G>A on the plus strand (C>T on the coding strand, the complement: CTNND2 is on the minus strand). VCF-style: chr5-11346490-G-A. GRCh37 (hg19) VCF-style: chr5-11346602-G-A.
Other names: c.1510C>T (NM_001332.2); c.1237C>T, p.Arg413Ter (NM_001288715.1); c.499C>T, p.Arg167Ter (NM_001288716.1, NM_001364128.2); c.211C>T, p.Arg71Ter (NM_001288717.2); short protein forms R167*, R413*, R504*, R71*.
Identifiers: ClinVar variation 3344428 (VCV003344428.3).

ClinVar aggregate classification (germline): Conflicting classifications of pathogenicity. Review status: criteria provided, conflicting classifications (1 of 4 stars). 2 submissions from 2 submitters: Pathogenic (1); Uncertain significance (1). Last evaluated 2025-10-06.

Conditions:
CTNND2-related disorder. Also called: CTNND2-related condition.
Inborn genetic diseases. Identifiers: MedGen C0950123, MeSH D030342.

Submissions (2):

Ambry Genetics
Classification: Pathogenic for Inborn genetic diseases. Last evaluated: 2025-10-06. Review status: criteria provided, single submitter. Criteria: Ambry Variant Classification Scheme 2023. Collection method: clinical testing. Allele origin: germline.
Comment: The c.1510C>T (p.R504*) alteration, located in exon 9 (coding exon 9) of the CTNND2 gene, consists of a C to T substitution at nucleotide position 1510. This changes the amino acid from a arginine (R) to a stop codon at amino acid position 504. This alteration is expected to result in loss of function by premature protein truncation or nonsense-mediated mRNA decay. This variant was not reported in population-based cohorts in the Genome Aggregation Database (gnomAD). Based on the available evidence, this alteration is classified as pathogenic.

PreventionGenetics, part of Exact Sciences
Classification: Uncertain significance for CTNND2-related condition. Last evaluated: 2025-02-27. Review status: criteria provided, single submitter. Criteria: ACMG Guidelines, 2015. Collection method: clinical testing. Allele origin: germline.
Comment: The CTNND2 c.1510C>T variant is predicted to result in premature protein termination (p.Arg504*). To our knowledge, this variant has not been reported in the literature or in a large population database, indicating this variant is rare. Loss of function is not an established mechanism of CTNND2-related disease with only a few protein-truncating variants having been reported in this gene to date (Human Gene Mutation Database). Although we suspect that this variant may be pathogenic, at this time, the clinical significance of this variant is uncertain due to the absence of conclusive functional and genetic evidence.